The following is an entry in ClinVar:

NM_001330691.3(CEP78):c.1454G>A (p.Ser485Asn)

Gene: CEP78 (centrosomal protein 78; plus strand). Cytogenetic location: 9q21.2.
Variant type: single nucleotide variant.
Coding change: c.1454G>A on transcript NM_001330691.3 (MANE Select); coding-DNA position 1454, G replaced by A.
Protein change: p.Ser485Asn; replaces serine 485 with asparagine.
Molecular consequence: missense variant.
Genome position (GRCh38, 1-based): chr9:78,262,980, G>A. VCF-style: chr9-78262980-G-A. GRCh37 (hg19) VCF-style: chr9-80877896-G-A.
Other names: c.1457G>A, p.Ser486Asn (NM_001098802.3, NM_001349839.2, NM_001349840.2 and 1 more transcripts); c.1454G>A, p.Ser485Asn (NM_001330693.3, NM_001330694.2, NM_001349838.2); short protein forms S485N, S486N.
Identifiers: ClinVar variation 2000216 (VCV002000216.4), dbSNP rs1827344573, ClinGen allele CA373863593.
Genomic context (GRCh38, chr9:78,262,980, plus strand): 5'-AGTGCCTAAAGCAGTTAAAGGAAGAAAGAGTGATAAGGCTTAAGGTTGATAAACGAGTCA[G>A]TGAGGTAAATAAAAGTTTTCTTACCTTTTGAGAGTTTTTTGTTTTGGTTTTGGTTTAACT-3'
Protein context (NP_001317620.1, residues 475-495): VIRLKVDKRV[Ser485Asn]ELEHENAQLR

ClinVar aggregate classification (germline): Uncertain significance (1 of 4 stars; one submission).

Allele frequency attached by ClinVar (database versions not stated): gnomAD exomes below 0.00001.
gnomAD v4.1: 1 of 1,535,508 alleles (0.000065%); highest among the groups gnomAD compares: Middle Eastern, 0.017%; no homozygotes.

Submission:

Labcorp Genetics (formerly Invitae), Labcorp
Classification: Uncertain significance. Last evaluated: 2022-05-29. Review status: criteria provided, single submitter. Criteria: Invitae Variant Classification Sherloc (09022015). Collection method: clinical testing. Allele origin: germline.
Comment: This sequence change replaces serine, which is neutral and polar, with asparagine, which is neutral and polar, at codon 486 of the CEP78 protein (p.Ser486Asn). This variant is not present in population databases (gnomAD no frequency). This variant has not been reported in the literature in individuals affected with CEP78-related conditions. Algorithms developed to predict the effect of missense changes on protein structure and function output the following: SIFT: "Tolerated"; PolyPhen-2: "Benign"; Align-GVGD: "Class C0". The asparagine amino acid residue is found in multiple mammalian species, which suggests that this missense change does not adversely affect protein function. In summary, the available evidence is currently insufficient to determine the role of this variant in disease. Therefore, it has been classified as a Variant of Uncertain Significance.